The following is an entry in ClinVar:

ClinVar aggregate classification (germline): Pathogenic (1 of 4 stars; one submission).

Conditions:
Beckwith-Wiedemann syndrome (BWS). Also called: EMG SYNDROME; Exomphalos macroglossia gigantism syndrome. Identifiers: Orphanet 116, MedGen C0004903, MONDO:0007534, OMIM 130650.

Submission:

Labcorp Genetics (formerly Invitae), Labcorp
Classification: Pathogenic for Beckwith-Wiedemann syndrome. Last evaluated: 2021-06-14. Review status: criteria provided, single submitter. Criteria: Invitae Variant Classification Sherloc (09022015). Collection method: clinical testing. Allele origin: germline.
Comment: For these reasons, this variant has been classified as Pathogenic. This variant has not been reported in the literature in individuals with CDKN1C-related conditions. This variant is not present in population databases (ExAC no frequency). This sequence change creates a premature translational stop signal (p.Pro70Alafs*55) in the CDKN1C gene. It is expected to result in an absent or disrupted protein product. Loss-of-function variants in CDKN1C are known to be pathogenic (PMID: 20503313).

Literature cited by the submitters: PubMed 20503313.

NM_001122630.2(CDKN1C):c.174dup (p.Pro59fs)

Gene: CDKN1C (cyclin dependent kinase inhibitor 1C; minus strand). Cytogenetic location: 11p15.4.
Variant type: Duplication.
Coding change: c.174dup on transcript NM_001122630.2 (MANE Select); coding-DNA position 174, one base duplicated (G; older notation c.174dupG).
Protein change: p.Pro59fs; shifts the reading frame from proline 59.
Molecular consequence: frameshift variant.
Genome position (GRCh38, 1-based): chr11:2,885,283, C duplicated on the plus strand (G on the coding strand, the reverse complement: CDKN1C is on the minus strand). VCF-style (leftmost placement, unchanged base first): chr11-2885282-G-GC. GRCh37 (hg19) VCF-style: chr11-2906512-G-GC.
Other names: c.207dup, p.Pro70fs (NM_000076.2, NM_001362474.2); c.174dup, p.Pro59fs (NM_001122631.2, NM_001362475.2); short protein forms P70fs, P59fs.
Identifiers: ClinVar variation 1455648 (VCV001455648.6), dbSNP rs2133785873, ClinGen allele CA2573145965.